The following is an entry in ClinVar:

NM_015404.4(WHRN):c.1547C>T (p.Thr516Ile)

Gene: WHRN (whirlin; minus strand). Cytogenetic location: 9q32.
Variant type: single nucleotide variant.
Coding change: c.1547C>T on transcript NM_015404.4 (MANE Select); coding-DNA position 1547, C replaced by T.
Protein change: p.Thr516Ile; replaces threonine 516 with isoleucine.
Molecular consequence: missense variant.
Genome position (GRCh38, 1-based): chr9:114,423,393, G>A on the plus strand (C>T on the coding strand, the complement: WHRN is on the minus strand). VCF-style: chr9-114423393-G-A. GRCh37 (hg19) VCF-style: chr9-117185673-G-A.
Other names: c.398C>T, p.Thr133Ile (NM_001083885.3); c.1547C>T, p.Thr516Ile (NM_001173425.2); c.494C>T, p.Thr165Ile (NM_001346890.1); short protein forms T516I, T133I, T165I.
Identifiers: ClinVar variation 228560 (VCV000228560.10), dbSNP rs756090687, ClinGen allele CA5205913.

ClinVar aggregate classification (germline): Uncertain significance. Review status: criteria provided, multiple submitters, no conflicts (2 of 4 stars). 2 submissions from 2 submitters: Uncertain significance (2). Last evaluated 2022-08-21.

Allele frequency attached by ClinVar (database versions not stated): ExAC 0.00001; gnomAD exomes 0.00001 and 0.00002; TOPMed 0.00001.
gnomAD v4.1: 25 of 1,614,062 alleles (0.0015%); highest among the groups gnomAD compares: Admixed American, 0.0083%; no homozygotes.

Submissions (2):

Labcorp Genetics (formerly Invitae), Labcorp
Classification: Uncertain significance. Last evaluated: 2022-08-21. Review status: criteria provided, single submitter. Criteria: Invitae Variant Classification Sherloc (09022015). Collection method: clinical testing. Allele origin: germline.
Comment: In summary, the available evidence is currently insufficient to determine the role of this variant in disease. Therefore, it has been classified as a Variant of Uncertain Significance. Algorithms developed to predict the effect of missense changes on protein structure and function are either unavailable or do not agree on the potential impact of this missense change (SIFT: "Deleterious"; PolyPhen-2: "Benign"; Align-GVGD: "Class C15"). ClinVar contains an entry for this variant (Variation ID: 228560). This variant has not been reported in the literature in individuals affected with WHRN-related conditions. This variant is present in population databases (rs756090687, gnomAD 0.003%). This sequence change replaces threonine, which is neutral and polar, with isoleucine, which is neutral and non-polar, at codon 516 of the WHRN protein (p.Thr516Ile).

Laboratory for Molecular Medicine, Mass General Brigham Personalized Medicine
Classification: Uncertain significance. Last evaluated: 2015-03-02. Review status: criteria provided, single submitter. Criteria: LMM Criteria. Collection method: clinical testing. Allele origin: germline. Observed: 1 variant allele.
Comment: The p.Thr516Ile variant in DFNB31 has not been previously reported in individual s with hearing loss, but has been identified in 1/16512 of South Asian chromosom es by the Exome Aggregation Consortium (ExAC). T he threonine (Thr) at position 1547 is not highly conserved in mammals or evolut ionary distant species, and one mammal (Alpaca) has an Isoleucine (Ile) at this position, raising the possibility that this change at this position may be toler ated. Additional computational prediction tools do not provide strong support fo r or against an impact to the protein. In summary, the clinical significance of the p.Thr516Ile variant is uncertain.